The following is an entry in ClinVar:

ClinVar aggregate classification (germline): Uncertain significance. Review status: criteria provided, single submitter (1 of 4 stars). 2 submissions from 2 submitters: Uncertain significance (1). 1 of the submissions does not count toward it. Last evaluated 2021-08-24.

Conditions:
Very long chain acyl-CoA dehydrogenase deficiency (ACADVLD). Also called: Very Long-Chain Acyl-Coenzyme A Dehydrogenase Deficiency; VLCAD Deficiency. Identifiers: Orphanet 26793, MedGen C3887523, MONDO:0008723, OMIM 201475.

Allele frequency attached by ClinVar (database versions not stated): TOPMed below 0.00001; gnomAD 0.00001.
gnomAD v4.1: 4 of 1,613,746 alleles (0.00025%); highest among the groups gnomAD compares: Non-Finnish European, 0.00034%; no homozygotes.

Submissions (2):

Labcorp Genetics (formerly Invitae), Labcorp
Classification: Uncertain significance for Very long chain acyl-CoA dehydrogenase deficiency. Last evaluated: 2021-08-24. Review status: criteria provided, single submitter. Criteria: Invitae Variant Classification Sherloc (09022015). Collection method: clinical testing. Allele origin: germline.
Comment: This sequence change replaces serine with asparagine at codon 532 of the ACADVL protein (p.Ser532Asn). The serine residue is highly conserved and there is a small physicochemical difference between serine and asparagine. This variant is not present in population databases (ExAC no frequency). This variant has not been reported in the literature in individuals affected with ACADVL-related conditions. Algorithms developed to predict the effect of missense changes on protein structure and function are either unavailable or do not agree on the potential impact of this missense change (SIFT: "Tolerated"; PolyPhen-2: "Possibly Damaging"; Align-GVGD: "Class C0"). In summary, the available evidence is currently insufficient to determine the role of this variant in disease. Therefore, it has been classified as a Variant of Uncertain Significance.

Natera, Inc.
Classification: Uncertain significance for Very long chain acyl-CoA dehydrogenase deficiency. Last evaluated: 2025-04-29. Review status: no assertion criteria provided. Collection method: clinical testing. Allele origin: germline. Not counted in ClinVar's aggregate classification.

NM_000018.4(ACADVL):c.1595G>A (p.Ser532Asn)

Gene: ACADVL (acyl-CoA dehydrogenase very long chain; plus strand). Cytogenetic location: 17p13.1.
Variant type: single nucleotide variant.
Coding change: c.1595G>A on transcript NM_000018.4 (MANE Select); coding-DNA position 1595, G replaced by A.
Protein change: p.Ser532Asn; replaces serine 532 with asparagine.
Molecular consequence: missense variant.
Genome position (GRCh38, 1-based): chr17:7,224,383, G>A. VCF-style: chr17-7224383-G-A. GRCh37 (hg19) VCF-style: chr17-7127702-G-A.
Other names: c.1529G>A, p.Ser510Asn (NM_001033859.3); c.1664G>A, p.Ser555Asn (NM_001270447.2); c.1367G>A, p.Ser456Asn (NM_001270448.2); short protein forms S456N, S510N, S532N, S555N.
Identifiers: ClinVar variation 855469 (VCV000855469.8), dbSNP rs1453818885, ClinGen allele CA397725446.